The following is an entry in ClinVar:

NM_001378778.1(MPDZ):c.1404C>T (p.Ala468=)

Gene: MPDZ (multiple PDZ domain crumbs cell polarity complex component; minus strand). Cytogenetic location: 9p23.
Variant type: single nucleotide variant.
Coding change: c.1404C>T on transcript NM_001378778.1 (MANE Select); coding-DNA position 1404, C replaced by T.
Protein change: p.Ala468=; no amino-acid change (alanine 468 retained).
Molecular consequence: synonymous variant.
Genome position (GRCh38, 1-based): chr9:13,205,986, G>A on the plus strand (C>T on the coding strand, the complement: MPDZ is on the minus strand). VCF-style: chr9-13205986-G-A. GRCh37 (hg19) VCF-style: chr9-13205985-G-A.
Other names: c.1404C>T, p.Ala468= (NM_001261406.2, NM_001261407.2, NM_001330637.2 and 14 more transcripts).
Identifiers: ClinVar variation 785277 (VCV000785277.13), dbSNP rs113448701, ClinGen allele CA4987790.
Genomic context (GRCh38, chr9:13,205,986, plus strand): 5'-GCTGGCATTAACAGGAGACAAATCTGCATCTTTTGTGACGTCTTCCCTTGACATGAGCTC[G>A]GCTTCCTGCTTCATTCCTCTCCTCATTAGTGTCAGGAGCACAGTTTGTCCTGTATGTCGC-3'
Protein context (NP_001365707.1, residues 458-478): TLMRRGMKQE[Ala468=]ELMSREDVTK

ClinVar aggregate classification (germline): Benign/Likely benign. Review status: criteria provided, multiple submitters, no conflicts (2 of 4 stars). 3 submissions from 3 submitters: Benign (1); Likely benign (1). 1 of the submissions does not count toward it. Last evaluated 2026-02-01.

Conditions:
MPDZ-related disorder. Also called: MPDZ-related condition.

Allele frequency attached by ClinVar (database versions not stated): gnomAD exomes 0.00035 and 0.00108; ExAC 0.00126; 1000 Genomes Project 0.00419; gnomAD 0.00454 and 0.00484; 1000 Genomes Project 30x 0.00468; TOPMed 0.00489; ESP Exome Variant Server 0.00527.
gnomAD v4.1: 1,251 of 1,611,142 alleles (0.078%); highest among the groups gnomAD compares: African/African-American, 1.5%; 10 homozygotes.

Submissions (3):

Labcorp Genetics (formerly Invitae), Labcorp
Classification: Benign. Last evaluated: 2026-02-01. Review status: criteria provided, single submitter. Criteria: Invitae Variant Classification Sherloc (09022015). Collection method: clinical testing. Allele origin: germline.

Blueprint Genetics
Classification: Likely benign. Last evaluated: 2024-11-05. Review status: criteria provided, single submitter. Criteria: ACMG Guidelines, 2015. Collection method: clinical testing. Allele origin: germline.

PreventionGenetics, part of Exact Sciences
Classification: Benign for MPDZ-related condition. Last evaluated: 2024-07-10. Review status: no assertion criteria provided. Collection method: clinical testing. Allele origin: germline. Not counted in ClinVar's aggregate classification.
Comment: This variant is classified as benign based on ACMG/AMP sequence variant interpretation guidelines (Richards et al. 2015 PMID: 25741868, with internal and published modifications).